The following is an entry in ClinVar:

ClinVar aggregate classification (germline): Uncertain significance (1 of 4 stars; one submission).

Conditions:
Hereditary cancer-predisposing syndrome. Also called: Neoplastic Syndromes, Hereditary; Tumor predisposition; Hereditary neoplastic syndrome; Hereditary Cancer Syndrome. Identifiers: Orphanet 140162, MedGen C0027672, MeSH D009386, MONDO:0015356.

Submission:

Ambry Genetics
Classification: Uncertain significance for Hereditary cancer-predisposing syndrome. Last evaluated: 2026-07-02. Review status: criteria provided, single submitter. Criteria: Ambry Variant Classification Scheme 2023. Collection method: clinical testing. Allele origin: germline.
Comment: The p.F134L variant (also known as c.402C>A), located in coding exon 5 of the SDHC gene, results from a C to A substitution at nucleotide position 402. The phenylalanine at codon 134 is replaced by leucine, an amino acid with highly similar properties. This amino acid position is conserved. In addition, the in silico prediction for this alteration is inconclusive. Based on the available evidence, the clinical significance of this variant remains unclear.

NM_003001.5(SDHC):c.*56C>A

Gene: SDHC (succinate dehydrogenase complex subunit C; plus strand). Cytogenetic location: 1q23.3.
Variant type: single nucleotide variant.
Coding change: c.*56C>A on transcript NM_003001.5 (MANE Select); 56 bases downstream of the stop codon, C replaced by A.
Molecular consequence: 3 prime UTR variant. On other transcripts: missense variant (3), non-coding transcript variant (1).
Genome position (GRCh38, 1-based): chr1:161,362,489, C>A. VCF-style: chr1-161362489-C-A. GRCh37 (hg19) VCF-style: chr1-161332279-C-A.
Other names: c.402C>A, p.Phe134Leu (NM_001035511.3); c.*56C>A (NM_001035512.3, NM_001035513.3, NM_001407115.1 and 5 more transcripts); c.300C>A, p.Phe100Leu (NM_001278172.3); c.345C>A, p.Phe115Leu (NM_001407121.1); short protein forms F115L, F100L, F134L.
Identifiers: ClinVar variation 5029305 (VCV005029305.1).